The following is an entry in ClinVar:

ClinVar aggregate classification (germline): Uncertain significance (1 of 4 stars; one submission).

gnomAD v4.1: 3 of 1,613,980 alleles (0.00019%); highest among the groups gnomAD compares: East Asian, 0.0022%; no homozygotes.

Submission:

GeneDx
Classification: Uncertain significance. Last evaluated: 2025-09-02. Review status: criteria provided, single submitter. Criteria: GeneDx Variant Classification Process June 2021. Collection method: clinical testing. Allele origin: germline. Affected: yes.
Comment: Not observed at significant frequency in large population cohorts (gnomAD); In silico analysis suggests that this missense variant does not alter protein structure/function; Has not been previously published as pathogenic or benign to our knowledge

NM_001393769.1(MED12L):c.3805A>G (p.Ile1269Val)

Genes: MED12L (mediator complex subunit 12L; plus strand), P2RY12 (purinergic receptor P2Y12; minus strand). Cytogenetic location: 3q25.1.
Variant type: single nucleotide variant.
Coding change: c.3805A>G on transcript NM_001393769.1 (MANE Select); coding-DNA position 3805, A replaced by G.
Protein change: p.Ile1269Val; replaces isoleucine 1269 with valine.
Molecular consequence: missense variant. On other transcripts: intron variant (1).
Genome position (GRCh38, 1-based): chr3:151,372,707, A>G. VCF-style: chr3-151372707-A-G. GRCh37 (hg19) VCF-style: chr3-151090495-A-G.
Other names: c.3700A>G, p.Ile1234Val (NM_053002.6); c.-180+11985T>C (NM_022788.5); short protein forms I1234V, I1269V.
Identifiers: ClinVar variation 4812888 (VCV004812888.1).